The following is an entry in ClinVar:

NM_015192.4(PLCB1):c.3394C>G (p.Arg1132Gly)

Gene: PLCB1 (phospholipase C beta 1; plus strand). Cytogenetic location: 20p12.3.
Variant type: single nucleotide variant.
Coding change: c.3394C>G on transcript NM_015192.4 (MANE Select); coding-DNA position 3394, C replaced by G.
Protein change: p.Arg1132Gly; replaces arginine 1132 with glycine.
Molecular consequence: missense variant.
Genome position (GRCh38, 1-based): chr20:8,790,232, C>G. VCF-style: chr20-8790232-C-G. GRCh37 (hg19) VCF-style: chr20-8770879-C-G.
Other names: c.3394C>G, p.Arg1132Gly (NM_182734.3); short protein forms R1132G.
Identifiers: ClinVar variation 1018973 (VCV001018973.9), dbSNP rs755357721, ClinGen allele CA408210136.

ClinVar aggregate classification (germline): Uncertain significance (1 of 4 stars; one submission).

Conditions:
Developmental and epileptic encephalopathy, 12 (DEE12). Identifiers: MedGen C3150988, MONDO:0013389, OMIM 613722.

Submission:

Labcorp Genetics (formerly Invitae), Labcorp
Classification: Uncertain significance for Developmental and epileptic encephalopathy, 12. Last evaluated: 2020-10-27. Review status: criteria provided, single submitter. Criteria: Invitae Variant Classification Sherloc (09022015). Collection method: clinical testing. Allele origin: germline.
Comment: In summary, the available evidence is currently insufficient to determine the role of this variant in disease. Therefore, it has been classified as a Variant of Uncertain Significance. Algorithms developed to predict the effect of missense changes on protein structure and function are either unavailable or do not agree on the potential impact of this missense change (SIFT: "Tolerated"; PolyPhen-2: "Possibly Damaging"; Align-GVGD: "Class C0"). This variant has not been reported in the literature in individuals with PLCB1-related conditions. This variant is not present in population databases (ExAC no frequency). This sequence change replaces arginine with glycine at codon 1132 of the PLCB1 protein (p.Arg1132Gly). The arginine residue is moderately conserved and there is a moderate physicochemical difference between arginine and glycine.